The following is an entry in ClinVar:

ClinVar aggregate classification (germline): Uncertain significance (1 of 4 stars; one submission).

Conditions:
Fanconi anemia (FA). Also called: Fanconi's anemia. Identifiers: Orphanet 84, MedGen C0015625, MeSH D005199, MONDO:0019391.

Submission:

Labcorp Genetics (formerly Invitae), Labcorp
Classification: Uncertain significance for Fanconi anemia. Last evaluated: 2025-05-23. Review status: criteria provided, single submitter. Criteria: Invitae Variant Classification Sherloc (09022015). Collection method: clinical testing. Allele origin: germline.
Comment: This variant, c.1155_1163del, results in the deletion of 3 amino acid(s) of the FANCG protein (p.Ser387_Pro389del), but otherwise preserves the integrity of the reading frame. This variant is not present in population databases (gnomAD no frequency). This variant has not been reported in the literature in individuals affected with FANCG-related conditions. ClinVar contains an entry for this variant (Variation ID: 526338). Experimental studies and prediction algorithms are not available or were not evaluated, and the functional significance of this variant is currently unknown. Algorithms developed to predict the effect of sequence changes on RNA splicing suggest that this variant may create or strengthen a splice site. In summary, the available evidence is currently insufficient to determine the role of this variant in disease. Therefore, it has been classified as a Variant of Uncertain Significance.

NM_004629.2(FANCG):c.1155_1163del (p.Ser387_Pro389del)

Gene: FANCG (FA complementation group G; minus strand). Cytogenetic location: 9p13.3.
Variant type: Deletion.
Coding change: c.1155_1163del on transcript NM_004629.2 (MANE Select); coding-DNA positions 1155 to 1163, 9 bases deleted (CCCCTCCCC; older notation c.1155_1163delCCCCTCCCC).
Protein change: p.Ser387_Pro389del.
Molecular consequence: inframe deletion.
Genome position (GRCh38, 1-based): chr9:35,075,735-35,075,743, GGGGAGGGG deleted on the plus strand (CCCCTCCCC on the coding strand, the reverse complement: FANCG is on the minus strand); deleting any 9 consecutive bases within chr9:35,075,735-35,075,745 gives the same sequence; the c. name uses the placement nearest the transcript's 3' end. VCF-style (leftmost placement, unchanged base first): chr9-35075734-AGGGGAGGGG-A. GRCh37 (hg19) VCF-style: chr9-35075731-AGGGGAGGGG-A.
Other names: c.1155_1163delCCCCTCCCC (NM_004629.1).
Identifiers: ClinVar variation 526338 (VCV000526338.7), dbSNP rs1554670228, ClinGen allele CA658797194.